The following is an entry in ClinVar:

NM_001267550.2(TTN):c.8380+5G>A

Gene: TTN (titin; minus strand). Cytogenetic location: 2q31.2.
Variant type: single nucleotide variant.
Coding change: c.8380+5G>A on transcript NM_001267550.2 (MANE Select); 5 bases into the intron after coding-DNA position 8380, G replaced by A.
Molecular consequence: intron variant.
Genome position (GRCh38, 1-based): chr2:178,770,407, C>T on the plus strand (G>A on the coding strand, the complement: TTN is on the minus strand). VCF-style: chr2-178770407-C-T. GRCh37 (hg19) VCF-style: chr2-179635134-C-T.
Other names: c.8380+5G>A (NM_133379.5, NM_133378.4, NM_001256850.1); c.8242+5G>A (NM_003319.4, NM_133437.4, NM_133432.3).
Identifiers: ClinVar variation 3760410 (VCV003760410.3).
Genomic context (GRCh38, chr2:178,770,407, plus strand): 5'-TGATAGGGTTAACTTAATGGTAACCATGGGCTGACTGCTTGAAAAGTGTTTCTAAATCAA[C>T]TTACTCTCCACGTGCAGTCTGGCACTGGCTCCAAGCCTTCCAAGCCTGAAGCCATAAACA-3'

ClinVar aggregate classification (germline): Uncertain significance. Review status: criteria provided, multiple submitters, no conflicts (2 of 4 stars). 2 submissions from 2 submitters: Uncertain significance (2). Last evaluated 2025-05-28.

Conditions:
Autosomal recessive limb-girdle muscular dystrophy type 2J (LGMDR10). Also called: Limb-girdle muscular dystrophy, type 2J; MUSCULAR DYSTROPHY, LIMB-GIRDLE, AUTOSOMAL RECESSIVE 10. Identifiers: Orphanet 140922, MedGen C1837342, MONDO:0012127, OMIM 608807.
Dilated cardiomyopathy 1G (CMD1G). Identifiers: Orphanet 154, MedGen C1858763, MONDO:0011400, OMIM 604145.

Submissions (2):

Mayo Clinic Laboratories, Mayo Clinic
Classification: Uncertain significance. Last evaluated: 2025-05-28. Review status: criteria provided, single submitter. Criteria: ACMG Guidelines, 2015. Collection method: clinical testing. Allele origin: germline. Observed: 1 variant allele.
Comment: PP3, PM2_supporting

Labcorp Genetics (formerly Invitae), Labcorp
Classification: Uncertain significance for Dilated cardiomyopathy 1G; Autosomal recessive limb-girdle muscular dystrophy type 2J. Last evaluated: 2025-01-23. Review status: criteria provided, single submitter. Criteria: Invitae Variant Classification Sherloc (09022015). Collection method: clinical testing. Allele origin: germline.
Comment: This sequence change falls in intron 35 of the TTN gene. It does not directly change the encoded amino acid sequence of the TTN protein. It affects a nucleotide within the consensus splice site. This variant is not present in population databases (gnomAD no frequency). This variant has not been reported in the literature in individuals affected with TTN-related conditions. Variants that disrupt the consensus splice site are a relatively common cause of aberrant splicing (PMID: 17576681, 9536098). Algorithms developed to predict the effect of sequence changes on RNA splicing suggest that this variant may disrupt the consensus splice site. This variant is located in the I band of TTN (PMID: 25589632). Non-truncating variants in this region may be clinically relevant, but have not been definitively shown to cause cardiomyopathy or neuromuscular disease (PMID: 27493940, 32778822). In summary, the available evidence is currently insufficient to determine the role of this variant in disease. Therefore, it has been classified as a Variant of Uncertain Significance.

Literature cited by the submitters: PubMed 17576681 (cited by Labcorp Genetics (formerly Invitae), Labcorp); PubMed 9536098 (cited by Labcorp Genetics (formerly Invitae), Labcorp); PubMed 25589632 (cited by Labcorp Genetics (formerly Invitae), Labcorp); PubMed 27493940 (cited by Labcorp Genetics (formerly Invitae), Labcorp); PubMed 32778822 (cited by Labcorp Genetics (formerly Invitae), Labcorp).